The following is an entry in ClinVar:

NM_001286615.2(ANO4):c.1342C>T (p.Arg448Trp)

Gene: ANO4 (anoctamin 4). Cytogenetic location: 12q23.1.
Variant type: single nucleotide variant.
Coding change: c.1342C>T on transcript NM_001286615.2 (MANE Select); coding-DNA position 1342, C replaced by T.
Protein change: p.Arg448Trp; replaces arginine 448 with tryptophan.
Molecular consequence: missense variant.
Genome position (GRCh38, 1-based): chr12:101,079,222, C>T. VCF-style: chr12-101079222-C-T. GRCh37 (hg19) VCF-style: chr12-101473000-C-T.
Other names: c.1342C>T, p.Arg448Trp (NM_001286616.1); c.1237C>T, p.Arg413Trp (NM_178826.4); short protein forms R413W, R448W.
Identifiers: ClinVar variation 4293515 (VCV004293515.2).

ClinVar aggregate classification (germline): Uncertain significance. Review status: criteria provided, single submitter (1 of 4 stars). 2 submissions from 2 submitters: Uncertain significance (1). 1 of the submissions does not count toward it. Last evaluated 2025-03-01.

Conditions:
ANO4-related disorder.
Developmental and epileptic encephalopathy. Identifiers: MedGen C5779964, MONDO:0100620.

Submissions (2):

3billion
Classification: Uncertain significance for ANO4-related disorder. Last evaluated: 2025-03-01. Review status: criteria provided, single submitter. Criteria: ACMG Guidelines, 2015. Collection method: clinical testing. Allele origin: germline. Affected: yes.
Comment: The variant is not observed in the gnomAD v4.1.0 dataset. Predicted Consequence/Location: Missense variant. Missense changes are a common disease-causing mechanism. In silico tool predictions suggest damaging effect of the variant on gene or gene product [REVEL: 0.61 (>=0.6, sensitivity 0.68 and specificity 0.92)]. Therefore, this variant is classified as VUS according to the recommendation of ACMG/AMP guideline.

Molecular Genetics Laboratory, BC Children's and BC Women's Hospitals
Classification: Uncertain significance for Developmental and epileptic encephalopathy. Last evaluated: 2025-10-14. Review status: no assertion criteria provided. Criteria: ACMG Guidelines, 2015. Collection method: clinical testing. Allele origin: de novo. Affected: yes. Not counted in ClinVar's aggregate classification.